The following is an entry in ClinVar:

NM_001100913.3(PACS2):c.120G>C (p.Arg40Ser)

Gene: PACS2 (phosphofurin acidic cluster sorting protein 2; plus strand). Cytogenetic location: 14q32.33.
Variant type: single nucleotide variant.
Coding change: c.120G>C on transcript NM_001100913.3 (MANE Select); coding-DNA position 120, G replaced by C.
Protein change: p.Arg40Ser; replaces arginine 40 with serine.
Molecular consequence: missense variant. On other transcripts: 5 prime UTR variant (1).
Genome position (GRCh38, 1-based): chr14:105,348,493, G>C. VCF-style: chr14-105348493-G-C. GRCh37 (hg19) VCF-style: chr14-105814830-G-C.
Other names: c.-82G>C (NM_001243127.3); c.120G>C, p.Arg40Ser (NM_015197.4); short protein forms R40S.
Identifiers: ClinVar variation 2813224 (VCV002813224.3), dbSNP rs1003413251, ClinGen allele CA266534909.

ClinVar aggregate classification (germline): Uncertain significance (1 of 4 stars; one submission).

gnomAD v4.1: 7 of 1,610,722 alleles (0.00043%); highest among the groups gnomAD compares: Non-Finnish European, 0.00059%; no homozygotes.

Submission:

Labcorp Genetics (formerly Invitae), Labcorp
Classification: Uncertain significance. Last evaluated: 2025-08-02. Review status: criteria provided, single submitter. Criteria: Invitae Variant Classification Sherloc (09022015). Collection method: clinical testing. Allele origin: germline.
Comment: This sequence change replaces arginine, which is basic and polar, with serine, which is neutral and polar, at codon 40 of the PACS2 protein (p.Arg40Ser). This variant is not present in population databases (gnomAD no frequency). This variant has not been reported in the literature in individuals affected with PACS2-related conditions. ClinVar contains an entry for this variant (Variation ID: 2813224). An algorithm developed to predict the effect of missense changes on protein structure and function (PolyPhen-2) suggests that this variant is likely to be tolerated. In summary, the available evidence is currently insufficient to determine the role of this variant in disease. Therefore, it has been classified as a Variant of Uncertain Significance.